The following is an entry in ClinVar:

ClinVar aggregate classification (germline): Uncertain significance (1 of 4 stars; one submission).

Conditions:
GANAB-related disorder. Also called: GANAB-related condition.

Submission:

PreventionGenetics, part of Exact Sciences
Classification: Uncertain significance for GANAB-related condition. Last evaluated: 2024-10-13. Review status: criteria provided, single submitter. Criteria: ACMG Guidelines, 2015. Collection method: clinical testing. Allele origin: germline.
Comment: The GANAB c.17_19delCAG variant is predicted to result in an in-frame deletion (p.Ala6del). To our knowledge, this variant has not been reported in the literature or in a large population database (gnomAD), indicating this variant is rare. At this time, the clinical significance of this variant is uncertain due to the absence of conclusive functional and genetic evidence.

NM_198334.3(GANAB):c.17_19del (p.Ala6del)

Gene: GANAB (glucosidase II alpha subunit; minus strand). Cytogenetic location: 11q12.3.
Variant type: Deletion.
Coding change: c.17_19del on transcript NM_198334.3 (MANE Select); coding-DNA positions 17 to 19, 3 bases deleted (CAG; older notation c.17_19delCAG).
Protein change: p.Ala6del; deletes alanine 6.
Molecular consequence: inframe deletion. On other transcripts: 5 prime UTR variant (3).
Genome position (GRCh38, 1-based): chr11:62,646,581-62,646,583, CTG deleted on the plus strand (CAG on the coding strand, the reverse complement: GANAB is on the minus strand); deleting any 3 consecutive bases within chr11:62,646,581-62,646,584 gives the same sequence; the c. name uses the placement nearest the transcript's 3' end. VCF-style (leftmost placement, unchanged base first): chr11-62646580-ACTG-A. GRCh37 (hg19) VCF-style: chr11-62414052-ACTG-A.
Other names: c.17_19del, p.Ala6del (NM_001278192.2, NM_001278193.2, NM_198335.4); c.-166_-164del (NM_001278194.2); c.-271_-269del (NM_001329223.2); c.-760_-758del (NM_001329225.2); short protein forms A6del.
Identifiers: ClinVar variation 4997340 (VCV004997340.1).